The following is an entry in ClinVar:

ClinVar aggregate classification (germline): Uncertain significance (1 of 4 stars; one submission).

Allele frequency attached by ClinVar (database versions not stated): gnomAD exomes below 0.00001; gnomAD 0.00001.
gnomAD v4.1: 5 of 1,613,998 alleles (0.00031%); highest among the groups gnomAD compares: African/African-American, 0.0013%; no homozygotes.

Submission:

CeGaT Center for Human Genetics Tuebingen
Classification: Uncertain significance. Last evaluated: 2024-02-01. Review status: criteria provided, single submitter. Criteria: CeGaT Center For Human Genetics Tuebingen Variant Classification Criteria Version 2. Collection method: clinical testing. Allele origin: germline. Affected: yes. Observed: 1 variant allele.
Comment: UBE3B: PM2

NM_130466.4(UBE3B):c.2830G>A (p.Gly944Ser)

Gene: UBE3B (ubiquitin protein ligase E3B; plus strand). Cytogenetic location: 12q24.11.
Variant type: single nucleotide variant.
Coding change: c.2830G>A on transcript NM_130466.4 (MANE Select); coding-DNA position 2830, G replaced by A.
Protein change: p.Gly944Ser; replaces glycine 944 with serine.
Molecular consequence: missense variant.
Genome position (GRCh38, 1-based): chr12:109,530,566, G>A. VCF-style: chr12-109530566-G-A. GRCh37 (hg19) VCF-style: chr12-109968371-G-A.
Other names: c.2830G>A, p.Gly944Ser (NM_183415.3); short protein forms G944S.
Identifiers: ClinVar variation 3027236 (VCV003027236.22), dbSNP rs1882839642, ClinGen allele CA386647563.